The following is an entry in ClinVar:

ClinVar aggregate classification (germline): Pathogenic. Review status: criteria provided, multiple submitters, no conflicts (2 of 4 stars). 2 submissions from 2 submitters: Pathogenic (2). Last evaluated 2022-10-31.

Submissions (2):

GeneDx
Classification: Pathogenic. Last evaluated: 2022-10-31. Review status: criteria provided, single submitter. Criteria: GeneDx Variant Classification Process June 2021. Collection method: clinical testing. Allele origin: germline. Affected: yes.
Comment: Frameshift variant predicted to result in protein truncation or nonsense mediated decay in a gene for which loss-of-function is a known mechanism of disease; Not observed at significant frequency in large population cohorts (gnomAD); Has not been previously published as pathogenic or benign to our knowledge

Labcorp Genetics (formerly Invitae), Labcorp
Classification: Pathogenic. Last evaluated: 2019-12-19. Review status: criteria provided, single submitter. Criteria: Invitae Variant Classification Sherloc (09022015). Collection method: clinical testing. Allele origin: germline.
Comment: This sequence change creates a premature translational stop signal (p.Phe207Leufs*5) in the NEXMIF gene. It is expected to result in an absent or disrupted protein product. This variant is not present in population databases (ExAC no frequency). This variant has not been reported in the literature in individuals with NEXMIF-related conditions. Loss-of-function variants in NEXMIF are known to be pathogenic (PMID: 23615299). For these reasons, this variant has been classified as Pathogenic.

Literature cited by the submitters: PubMed 23615299 (cited by Labcorp Genetics (formerly Invitae), Labcorp).

NM_001008537.3(NEXMIF):c.617dup (p.Phe207fs)

Gene: NEXMIF (neurite extension and migration factor; minus strand). Cytogenetic location: Xq13.3.
Variant type: Duplication.
Coding change: c.617dup on transcript NM_001008537.3 (MANE Select); coding-DNA position 617, one base duplicated (G; older notation c.617dupG).
Protein change: p.Phe207fs; shifts the reading frame from phenylalanine 207.
Molecular consequence: frameshift variant.
Genome position (GRCh38, 1-based): chrX:74,743,940, C duplicated on the plus strand (G on the coding strand, the reverse complement: NEXMIF is on the minus strand); the first of 2 consecutive C bases (chrX:74,743,940-74,743,941); duplicating either gives the same sequence. VCF-style (leftmost placement, unchanged base first): chrX-74743939-G-GC. GRCh37 (hg19) VCF-style: chrX-73963774-G-GC.
Other names: c.617dupG (NM_001008537.1); short protein forms F207fs.
Identifiers: ClinVar variation 858866 (VCV000858866.7), dbSNP rs2080117124, ClinGen allele CA916083969.